The following is an entry in ClinVar:

ClinVar aggregate classification (germline): Uncertain significance (1 of 4 stars; one submission).

Submission:

Athena Diagnostics
Classification: Uncertain significance. Last evaluated: 2023-03-13. Review status: criteria provided, single submitter. Criteria: Athena Diagnostics Criteria. Collection method: clinical testing. Allele origin: unknown.
Comment: Available data are insufficient to determine the clinical significance of the variant at this time. This variant has not been reported in large, multi-ethnic general populations. This variant has been seen where an alternate explanation for disease was also identified, suggesting this variant may not cause disease. Computational tools predict that this variant is damaging.

NM_000435.3(NOTCH3):c.5203G>C (p.Glu1735Gln)

Gene: NOTCH3 (notch receptor 3; minus strand). Cytogenetic location: 19p13.12.
Variant type: single nucleotide variant.
Coding change: c.5203G>C on transcript NM_000435.3 (MANE Select); coding-DNA position 5203, G replaced by C.
Protein change: p.Glu1735Gln; replaces glutamic acid 1735 with glutamine.
Molecular consequence: missense variant.
Genome position (GRCh38, 1-based): chr19:15,167,408, C>G on the plus strand (G>C on the coding strand, the complement: NOTCH3 is on the minus strand). VCF-style: chr19-15167408-C-G. GRCh37 (hg19) VCF-style: chr19-15278219-C-G.
Other names: short protein forms E1735Q.
Identifiers: ClinVar variation 2684141 (VCV002684141.1), dbSNP rs959827952, ClinGen allele CA404496107.
Genomic context (GRCh38, chr19:15,167,408, plus strand): 5'-GATGGTGTTGAGTCCACTGACGGCAATCCACAGCCTCCTCAGCCCCCATGCCTGGCTCCT[C>G]TACCTGGAGGGGCAGGCACCCTGGATCTCAGATCTCACCCTTTGGTGCTGGGGAGAGCCA-3'
Protein context (NP_000426.2, residues 1725-1745): ECPEAKRLKV[Glu1735Gln]EPGMGAEEAV